The following is an entry in ClinVar:

NM_001356.5(DDX3X):c.1455_1457del (p.His485del)

Gene: DDX3X (DEAD-box helicase 3 X-linked; plus strand). Cytogenetic location: Xp11.4.
Variant type: Deletion.
Coding change: c.1455_1457del on transcript NM_001356.5 (MANE Select); coding-DNA positions 1455 to 1457, 3 bases deleted (CCA; older notation c.1455_1457delCCA).
Protein change: p.His485del; deletes histidine 485.
Molecular consequence: inframe deletion. On other transcripts: non-coding transcript variant (1).
Genome position (GRCh38, 1-based): chrX:41,346,368-41,346,370, CCA deleted; deleting any 3 consecutive bases within chrX:41,346,366-41,346,370 gives the same sequence; the c. name uses the placement nearest the transcript's 3' end. VCF-style (leftmost placement, unchanged base first): chrX-41346365-TCAC-T. GRCh37 (hg19) VCF-style: chrX-41205618-TCAC-T.
Other names: c.1455_1457del, p.His485del (NM_001193416.3); c.1407_1409del, p.His469del (NM_001193417.3); c.897_899del, p.His299del (NM_001363819.1); short protein forms H299del, H469del, H485del.
Identifiers: ClinVar variation 4884025 (VCV004884025.2).
Genomic context (GRCh38, chrX:41,346,365, plus strand): 5'-AGGATACGCATGTACCAGCATCCATGGAGACCGTTCTCAGAGGGATAGAGAAGAGGCCCT[TCAC>T]CAGTTCCGCTCAGGAAAAAGCCCAATTTTAGTGGCTACAGCAGTATGTATAAACATCTTT-3'

ClinVar aggregate classification (germline): Uncertain significance (1 of 4 stars; one submission).

Submission:

Dasa
Classification: Uncertain significance. Last evaluated: 2025-05-02. Review status: criteria provided, single submitter. Criteria: DASA Assertion Criteria. Collection method: clinical testing. Allele origin: germline.
Comment: NM_001356.5(DDX3X):c.1455_1457del (p.His485del) is an in-frame deletion predicted to remove histidine at protein position 485 without shifting the reading frame. This variant is absent from population databases. The currently available literature and clinical evidence are not sufficient to establish a definitive association between this variant and the reported condition. Therefore, this variant is classified as a variant of uncertain significance.